The following is an entry in ClinVar:

ClinVar aggregate classification (germline): Uncertain significance. Review status: criteria provided, multiple submitters, no conflicts (2 of 4 stars). 2 submissions from 2 submitters: Uncertain significance (2). Last evaluated 2024-11-22.

Conditions:
Hyper-IgE recurrent infection syndrome 1, autosomal dominant. Also called: STAT3 Hyper IgE Syndrome; Hyper-IgE recurrent infection syndrome 1; JOB SYNDROME; Job's Syndrome; HYPER-IgE SYNDROME 1, AUTOSOMAL DOMINANT, WITH RECURRENT INFECTIONS. Identifiers: Orphanet 2314, MedGen C2936739, MONDO:0007818, OMIM 147060.
STAT3 gain of function. Identifiers: MedGen C4288261.

gnomAD v4.1: 3 of 1,614,100 alleles (0.00019%); highest among the groups gnomAD compares: Non-Finnish European, 0.00025%; no homozygotes.

Submissions (2):

GeneDx
Classification: Uncertain significance. Last evaluated: 2024-11-22. Review status: criteria provided, single submitter. Criteria: GeneDx Variant Classification Process June 2021. Collection method: clinical testing. Allele origin: germline. Affected: yes.
Comment: Not observed at significant frequency in large population cohorts (gnomAD); In silico analysis indicates that this missense variant does not alter protein structure/function; This variant is associated with the following publications: (PMID: 37758324, 18602572)

Labcorp Genetics (formerly Invitae), Labcorp
Classification: Uncertain significance for STAT3 gain of function; Hyper-IgE recurrent infection syndrome 1, autosomal dominant. Last evaluated: 2024-02-02. Review status: criteria provided, single submitter. Criteria: Invitae Variant Classification Sherloc (09022015). Collection method: clinical testing. Allele origin: germline.
Comment: This sequence change replaces valine, which is neutral and non-polar, with isoleucine, which is neutral and non-polar, at codon 349 of the STAT3 protein (p.Val349Ile). This variant is not present in population databases (gnomAD no frequency). This variant has not been reported in the literature in individuals affected with STAT3-related conditions. Advanced modeling of protein sequence and biophysical properties (such as structural, functional, and spatial information, amino acid conservation, physicochemical variation, residue mobility, and thermodynamic stability) performed at Invitae indicates that this missense variant is not expected to disrupt STAT3 protein function with a negative predictive value of 80%. In summary, the available evidence is currently insufficient to determine the role of this variant in disease. Therefore, it has been classified as a Variant of Uncertain Significance.

NM_139276.3(STAT3):c.1045G>A (p.Val349Ile)

Gene: STAT3 (signal transducer and activator of transcription 3; minus strand). Cytogenetic location: 17q21.2.
Variant type: single nucleotide variant.
Coding change: c.1045G>A on transcript NM_139276.3 (MANE Select); coding-DNA position 1045, G replaced by A.
Protein change: p.Val349Ile; replaces valine 349 with isoleucine.
Molecular consequence: missense variant.
Genome position (GRCh38, 1-based): chr17:42,333,677, C>T on the plus strand (G>A on the coding strand, the complement: STAT3 is on the minus strand). VCF-style: chr17-42333677-C-T. GRCh37 (hg19) VCF-style: chr17-40485695-C-T.
Other names: c.1045G>A, p.Val349Ile (NM_001369512.1, NM_001369513.1, NM_001369514.1 and 15 more transcripts); c.967G>A, p.Val323Ile (NM_001384985.1); c.949G>A, p.Val317Ile (NM_001384989.1); short protein forms V317I, V323I, V349I.
Identifiers: ClinVar variation 3748044 (VCV003748044.3).